The following is an entry in ClinVar:

NM_007186.6(CEP250):c.6173A>T (p.Glu2058Val)

Gene: CEP250 (centrosomal protein 250; plus strand). Cytogenetic location: 20q11.22.
Variant type: single nucleotide variant.
Coding change: c.6173A>T on transcript NM_007186.6 (MANE Select); coding-DNA position 6173, A replaced by T.
Protein change: p.Glu2058Val; replaces glutamic acid 2058 with valine.
Molecular consequence: missense variant.
Genome position (GRCh38, 1-based): chr20:35,504,542, A>T. VCF-style: chr20-35504542-A-T. GRCh37 (hg19) VCF-style: chr20-34092370-A-T.
Other names: c.4277A>T, p.Glu1426Val (NM_001318219.1); short protein forms E2058V, E1426V.
Identifiers: ClinVar variation 1495468 (VCV001495468.6), dbSNP rs2147174402, ClinGen allele CA408756290.
Genomic context (GRCh38, chr20:35,504,542, plus strand): 5'-AGCAGCTGCAGCAGGCACTTGCCCAGAGGGATGAAGAGCTGAGACATCAGCAGGAACGGG[A>T]GCAGCTGCTGGAGAAGTCTCTGGCCCAGAGGGTCCAAGAGAATATGATCCAAGAGAAGCA-3'
Protein context (NP_009117.2, residues 2048-2068): DEELRHQQER[Glu2058Val]QLLEKSLAQR

ClinVar aggregate classification (germline): Uncertain significance (1 of 4 stars; one submission).

Allele frequency attached by ClinVar (database versions not stated): gnomAD exomes below 0.00001.
gnomAD v4.1: 1 of 1,613,958 alleles (0.000062%); highest among the groups gnomAD compares: Non-Finnish European, 0.000085%; no homozygotes.

Submission:

Labcorp Genetics (formerly Invitae), Labcorp
Classification: Uncertain significance. Last evaluated: 2022-06-27. Review status: criteria provided, single submitter. Criteria: Invitae Variant Classification Sherloc (09022015). Collection method: clinical testing. Allele origin: germline.
Comment: This variant has not been reported in the literature in individuals affected with CEP250-related conditions. In summary, the available evidence is currently insufficient to determine the role of this variant in disease. Therefore, it has been classified as a Variant of Uncertain Significance. Algorithms developed to predict the effect of missense changes on protein structure and function are either unavailable or do not agree on the potential impact of this missense change (SIFT: "Not Available"; PolyPhen-2: "Benign"; Align-GVGD: "Not Available"). This variant is not present in population databases (gnomAD no frequency). This sequence change replaces glutamic acid, which is acidic and polar, with valine, which is neutral and non-polar, at codon 2058 of the CEP250 protein (p.Glu2058Val).